The following is an entry in ClinVar:

NM_000264.5(PTCH1):c.1511C>A (p.Pro504Gln)

Gene: PTCH1 (patched 1; minus strand). Cytogenetic location: 9q22.32.
Variant type: single nucleotide variant.
Coding change: c.1511C>A on transcript NM_000264.5 (MANE Select); coding-DNA position 1511, C replaced by A.
Protein change: p.Pro504Gln; replaces proline 504 with glutamine.
Molecular consequence: missense variant. On other transcripts: non-coding transcript variant (1).
Genome position (GRCh38, 1-based): chr9:95,476,850, G>T on the plus strand (C>A on the coding strand, the complement: PTCH1 is on the minus strand). VCF-style: chr9-95476850-G-T. GRCh37 (hg19) VCF-style: chr9-98239132-G-T.
Other names: c.1313C>A, p.Pro438Gln (NM_001083602.3); c.1508C>A, p.Pro503Gln (NM_001083603.3); c.1058C>A, p.Pro353Gln (NM_001083604.3, NM_001083605.3, NM_001083606.3 and 1 more transcripts); c.1355C>A, p.Pro452Gln (NM_001354918.2); short protein forms P452Q, P353Q, P438Q, P503Q, P504Q.
Identifiers: ClinVar variation 643863 (VCV000643863.7), dbSNP rs1588598694, ClinGen allele CA374118341.

ClinVar aggregate classification (germline): Likely pathogenic (1 of 4 stars; one submission).

Conditions:
Gorlin syndrome. Also called: Basal cell nevus syndrome; Nevoid Basal Cell Carcinoma Syndrome. Identifiers: Orphanet 377, MedGen C0004779, MONDO:0007187.

Submission:

Labcorp Genetics (formerly Invitae), Labcorp
Classification: Likely pathogenic for Gorlin syndrome. Last evaluated: 2021-07-28. Review status: criteria provided, single submitter. Criteria: Invitae Variant Classification Sherloc (09022015). Collection method: clinical testing. Allele origin: germline.
Comment: This variant has been observed in individuals with clinical features of Gorlin syndrome (Invitae). ClinVar contains an entry for this variant (Variation ID: 643863). Advanced modeling of protein sequence and biophysical properties (such as structural, functional, and spatial information, amino acid conservation, physicochemical variation, residue mobility, and thermodynamic stability) performed at Invitae indicates that this missense variant is expected to disrupt PTCH1 protein function. In summary, the currently available evidence indicates that the variant is pathogenic, but additional data are needed to prove that conclusively. Therefore, this variant has been classified as Likely Pathogenic. This variant is not present in population databases (ExAC no frequency). This sequence change replaces proline with glutamine at codon 504 of the PTCH1 protein (p.Pro504Gln). The proline residue is highly conserved and there is a moderate physicochemical difference between proline and glutamine.